The following is an entry in ClinVar:

NM_183065.4(TMEM107):c.295TTC[1] (p.Phe100del)

Genes: TMEM107 (transmembrane protein 107; minus strand), LOC105371520 (uncharacterized LOC105371520; plus strand). Cytogenetic location: 17p13.1.
Variant type: Microsatellite.
Coding change: c.295TTC[1] on transcript NM_183065.4 (MANE Select); one copy of the 3-base unit TTC starting at c.295; the reference has two copies in a row; one copy, 3 bases deleted; also written c.298_300del.
Protein change: p.Phe100del; deletes phenylalanine 100.
Molecular consequence: inframe deletion. On other transcripts: intron variant (1).
Genome position (GRCh38, 1-based): chr17:8,174,573-8,174,575, GAA deleted on the plus strand (TTC on the coding strand, the reverse complement: TMEM107 is on the minus strand); deleting any 3 consecutive bases within chr17:8,174,573-8,174,579 gives the same sequence; the position shown is the placement nearest the transcript's 3' end. VCF-style (leftmost placement, unchanged base first): chr17-8174572-TGAA-T. GRCh37 (hg19) VCF-style: chr17-8077890-TGAA-T.
Other names: c.298_300del (NM_183065.4); c.313TTC[1], p.Phe106del (NM_001351278.2, NM_032354.5); c.295TTC[1], p.Phe100del (NM_001351279.2); c.156-303_156-301del (NM_001351280.2); short protein forms F106del, F100del.
Identifiers: ClinVar variation 212717 (VCV000212717.4), dbSNP rs752171066, ClinGen allele CA8370954.

ClinVar aggregate classification (germline): Conflicting classifications of pathogenicity. Review status: criteria provided, conflicting classifications (1 of 4 stars). 4 submissions from 3 submitters: Pathogenic (1); Uncertain significance (1). 2 of the submissions do not count toward it. Last evaluated 2026-04-12.

Conditions:
Joubert syndrome 29. Identifiers: MedGen C4539715, MONDO:0800372.
Orofaciodigital syndrome 16. Also called: OROFACIODIGITAL SYNDROME XVI; OFDS XVI; ORAL-FACIAL-DIGITAL SYNDROME, TYPE XVI. Identifiers: MedGen C4539729, MONDO:0033045, OMIM 617563.
Orofaciodigital syndrome. Identifiers: Orphanet 140997, MedGen C0029294, MONDO:0015375.

Submissions (4):

Dasa
Classification: Uncertain significance for Orofaciodigital syndrome 16. Last evaluated: 2026-04-12. Review status: criteria provided, single submitter. Criteria: DASA Assertion Criteria. Collection method: clinical testing. Allele origin: germline.
Comment: NM_183065.4(TMEM107):c.298_300del (p.Phe100del) is an in-frame deletion predicted to remove phenylalanine at protein position 100 without shifting the reading frame. This variant has been observed in affected individuals with TMEM107-related disorders. Also, this variant is rare in population databases. The currently available literature and clinical evidence are not sufficient to establish a definitive association between this variant and the reported condition. Therefore, this variant is classified as a variant of uncertain significance.

Department of Genetics, Yale University
Classification: Pathogenic for Orofaciodigital syndrome. Last evaluated: 2015-09-01. Review status: criteria provided, single submitter. Criteria: Submitter's publication. Collection method: clinical testing. Allele origin: inherited. Affected: yes.

OMIM
Classification: Pathogenic for OROFACIODIGITAL SYNDROME XVI. Last evaluated: 2017-07-13. Review status: no assertion criteria provided. Collection method: literature only. Allele origin: germline. Not counted in ClinVar's aggregate classification.

OMIM
Classification: Pathogenic for JOUBERT SYNDROME 29. Last evaluated: 2017-07-13. Review status: no assertion criteria provided. Collection method: literature only. Allele origin: germline. Not counted in ClinVar's aggregate classification.

Literature cited by the submitters: PubMed 24901346 (cited by Department of Genetics, Yale University); PubMed 26518474 (cited by OMIM); PubMed 26595381 (cited by OMIM).